The following is an entry in ClinVar:

ClinVar aggregate classification (germline): Uncertain significance (1 of 4 stars; one submission).

Conditions:
Inborn genetic diseases. Identifiers: MedGen C0950123, MeSH D030342.

Submission:

Ambry Genetics
Classification: Uncertain significance for Inborn genetic diseases. Last evaluated: 2025-10-11. Review status: criteria provided, single submitter. Criteria: Ambry Variant Classification Scheme 2023. Collection method: clinical testing. Allele origin: germline.
Comment: The p.C486G variant (also known as c.1456T>G), located in coding exon 4 of the SMAD6 gene, results from a T to G substitution at nucleotide position 1456. The cysteine at codon 486 is replaced by glycine, an amino acid with highly dissimilar properties. This amino acid position is conserved. In addition, this alteration is predicted to be deleterious by in silico analysis. Based on the available evidence, the clinical significance of this variant remains unclear.

NM_005585.5(SMAD6):c.1456T>G (p.Cys486Gly)

Gene: SMAD6 (SMAD family member 6; plus strand). Cytogenetic location: 15q22.31.
Variant type: single nucleotide variant.
Coding change: c.1456T>G on transcript NM_005585.5 (MANE Select); coding-DNA position 1456, T replaced by G.
Protein change: p.Cys486Gly; replaces cysteine 486 with glycine.
Molecular consequence: missense variant. On other transcripts: non-coding transcript variant (1).
Genome position (GRCh38, 1-based): chr15:66,781,500, T>G. VCF-style: chr15-66781500-T-G. GRCh37 (hg19) VCF-style: chr15-67073838-T-G.
Other names: short protein forms C486G.
Identifiers: ClinVar variation 4631598 (VCV004631598.1).